The following is an entry in ClinVar:

ClinVar aggregate classification (germline): Likely benign. Review status: criteria provided, multiple submitters, no conflicts (2 of 4 stars). 2 submissions from 2 submitters: Likely benign (2). Last evaluated 2026-01-04.

Allele frequency attached by ClinVar (database versions not stated): gnomAD 0.00001; TOPMed 0.00011; gnomAD exomes 0.00012; 1000 Genomes Project 30x 0.00016; 1000 Genomes Project 0.00020; ExAC 0.00028.
gnomAD v4.1: 75 of 1,614,112 alleles (0.0046%); highest among the groups gnomAD compares: Admixed American, 0.12%; no homozygotes.

Submissions (2):

Labcorp Genetics (formerly Invitae), Labcorp
Classification: Likely benign. Last evaluated: 2026-01-04. Review status: criteria provided, single submitter. Criteria: Invitae Variant Classification Sherloc (09022015). Collection method: clinical testing. Allele origin: germline.

Mayo Clinic Laboratories, Mayo Clinic
Classification: Likely benign. Last evaluated: 2024-11-04. Review status: criteria provided, single submitter. Criteria: ACMG Guidelines, 2015. Collection method: clinical testing. Allele origin: germline. Observed: 1 variant allele.
Comment: BS1, BP4

NM_003791.4(MBTPS1):c.1867G>A (p.Val623Ile)

Gene: MBTPS1 (membrane bound transcription factor peptidase, site 1; minus strand). Cytogenetic location: 16q23.3.
Variant type: single nucleotide variant.
Coding change: c.1867G>A on transcript NM_003791.4 (MANE Select); coding-DNA position 1867, G replaced by A.
Protein change: p.Val623Ile; replaces valine 623 with isoleucine.
Molecular consequence: missense variant.
Genome position (GRCh38, 1-based): chr16:84,069,954, C>T on the plus strand (G>A on the coding strand, the complement: MBTPS1 is on the minus strand). VCF-style: chr16-84069954-C-T. GRCh37 (hg19) VCF-style: chr16-84103559-C-T.
Other names: p.Val623Ile; short protein forms V623I.
Identifiers: ClinVar variation 2060463 (VCV002060463.5), dbSNP rs186464050, ClinGen allele CA8201138.